The following is an entry in ClinVar:

NM_000483.5(APOC2):c.165C>T (p.Ala55=)

Genes: APOC2 (apolipoprotein C2; plus strand), APOC4-APOC2 (APOC4-APOC2 readthrough (NMD candidate); plus strand). Cytogenetic location: 19q13.32.
Variant type: single nucleotide variant.
Coding change: c.165C>T on transcript NM_000483.5 (MANE Select); coding-DNA position 165, C replaced by T.
Protein change: p.Ala55=; no amino-acid change (alanine 55 retained).
Molecular consequence: synonymous variant. On other transcripts: non-coding transcript variant (1).
Genome position (GRCh38, 1-based): chr19:44,948,810, C>T. VCF-style: chr19-44948810-C-T. GRCh37 (hg19) VCF-style: chr19-45452067-C-T.
Identifiers: ClinVar variation 1777439 (VCV001777439.11), dbSNP rs758335932, ClinGen allele CA9506614.

ClinVar aggregate classification (germline): Likely benign. Review status: criteria provided, multiple submitters, no conflicts (2 of 4 stars). 5 submissions from 5 submitters: Likely benign (5). Last evaluated 2026-03-01.

Conditions:
Cardiovascular phenotype. Identifiers: MedGen CN230736.

Allele frequency attached by ClinVar (database versions not stated): ExAC 0.00003; gnomAD 0.00004; gnomAD exomes 0.00004; TOPMed 0.00005.

Submissions (5):

CeGaT Center for Human Genetics Tuebingen
Classification: Likely benign. Last evaluated: 2026-03-01. Review status: criteria provided, single submitter. Criteria: CeGaT Center For Human Genetics Tuebingen Variant Classification Criteria Version 2. Collection method: clinical testing. Allele origin: germline. Affected: yes. Observed: 1 variant allele.
Comment: APOC2: BP4, BP7; APOC4-APOC2: BP4, BP7

Laboratory of Genetics, Children's Clinical University Hospital Latvia
Classification: Likely benign. Last evaluated: 2025-02-16. Review status: criteria provided, single submitter. Criteria: ACMG Guidelines, 2015. Collection method: clinical testing. Allele origin: germline. Affected: yes.

Labcorp Genetics (formerly Invitae), Labcorp
Classification: Likely benign. Last evaluated: 2024-09-11. Review status: criteria provided, single submitter. Criteria: Invitae Variant Classification Sherloc (09022015). Collection method: clinical testing. Allele origin: germline.

Blueprint Genetics
Classification: Likely benign. Last evaluated: 2023-09-13. Review status: criteria provided, single submitter. Criteria: ACMG Guidelines, 2015. Collection method: clinical testing. Allele origin: germline.

Ambry Genetics
Classification: Likely benign for Cardiovascular phenotype. Last evaluated: 2020-01-23. Review status: criteria provided, single submitter. Criteria: Ambry Variant Classification Scheme 2023. Collection method: clinical testing. Allele origin: germline.